The following is an entry in ClinVar:

NM_022893.4(BCL11A):c.1715G>A (p.Arg572His)

Gene: BCL11A (BCL11 transcription factor A; minus strand). Cytogenetic location: 2p16.1.
Variant type: single nucleotide variant.
Coding change: c.1715G>A on transcript NM_022893.4 (MANE Select); coding-DNA position 1715, G replaced by A.
Protein change: p.Arg572His; replaces arginine 572 with histidine.
Molecular consequence: missense variant. On other transcripts: intron variant (6).
Genome position (GRCh38, 1-based): chr2:60,461,197, C>T on the plus strand (G>A on the coding strand, the complement: BCL11A is on the minus strand). VCF-style: chr2-60461197-C-T. GRCh37 (hg19) VCF-style: chr2-60688332-C-T.
Other names: c.1613G>A, p.Arg538His (NM_001363864.1, NM_001365609.1, NM_001405711.1 and 2 more transcripts); c.1715G>A, p.Arg572His (NM_001405708.1, NM_001405709.1, NM_001405710.1 and 1 more transcripts); c.1559G>A, p.Arg520His (NM_001405713.1, NM_001405714.1, NM_001405715.1 and 3 more transcripts); c.1457G>A, p.Arg486His (NM_001405717.1, NM_001405718.1, NM_001405724.1); c.1382G>A, p.Arg461His (NM_001405720.1, NM_001405721.1); c.1259G>A, p.Arg420His (NM_001405725.1, NM_001405726.1, NM_001405727.1 and 1 more transcripts); c.1022G>A, p.Arg341His (NM_001405729.1); c.1178G>A, p.Arg393His (NM_001405730.1); and 5 more; short protein forms R241H, R341H, R393H, R420H, R461H, R486H, R520H, R538H.
Identifiers: ClinVar variation 2626889 (VCV002626889.1), dbSNP rs1035169575, ClinGen allele CA49017742.

ClinVar aggregate classification (germline): Uncertain significance (1 of 4 stars; one submission).

Allele frequency attached by ClinVar (database versions not stated): gnomAD 0.00001; TOPMed 0.00001.
gnomAD v4.1: 61 of 1,612,336 alleles (0.0038%); highest among the groups gnomAD compares: Non-Finnish European, 0.0049%; no homozygotes.

Submission:

Greenwood Genetic Center Diagnostic Laboratories, Greenwood Genetic Center
Classification: Uncertain significance. Last evaluated: 2023-08-16. Review status: criteria provided, single submitter. Criteria: ACMG Guidelines, 2015. Collection method: clinical testing. Allele origin: germline. Affected: yes.
Comment: PM2